The following is an entry in ClinVar:

ClinVar aggregate classification (germline): Uncertain significance (1 of 4 stars; one submission).

Conditions:
Sulfite oxidase deficiency due to molybdenum cofactor deficiency type C. Also called: Molybdenum cofactor deficiency C; Molybdenum cofactor deficiency, complementation group C. Identifiers: Orphanet 308400, Orphanet 833, MedGen C1854990, MONDO:0014212, OMIM 615501.

Submission:

Labcorp Genetics (formerly Invitae), Labcorp
Classification: Uncertain significance for Sulfite oxidase deficiency due to molybdenum cofactor deficiency type C. Last evaluated: 2022-11-16. Review status: criteria provided, single submitter. Criteria: Invitae Variant Classification Sherloc (09022015). Collection method: clinical testing. Allele origin: germline.
Comment: In summary, the available evidence is currently insufficient to determine the role of this variant in disease. Therefore, it has been classified as a Variant of Uncertain Significance. Advanced modeling of protein sequence and biophysical properties (such as structural, functional, and spatial information, amino acid conservation, physicochemical variation, residue mobility, and thermodynamic stability) performed at Invitae indicates that this missense variant is not expected to disrupt GPHN protein function. This variant has not been reported in the literature in individuals affected with GPHN-related conditions. This variant is not present in population databases (gnomAD no frequency). This sequence change replaces methionine, which is neutral and non-polar, with valine, which is neutral and non-polar, at codon 510 of the GPHN protein (p.Met510Val).

NM_020806.5(GPHN):c.1528A>G (p.Met510Val)

Gene: GPHN (gephyrin; plus strand). Cytogenetic location: 14q23.3.
Variant type: single nucleotide variant.
Coding change: c.1528A>G on transcript NM_020806.5 (MANE Select); coding-DNA position 1528, A replaced by G.
Protein change: p.Met510Val; replaces methionine 510 with valine.
Molecular consequence: missense variant.
Genome position (GRCh38, 1-based): chr14:67,113,073, A>G. VCF-style: chr14-67113073-A-G. GRCh37 (hg19) VCF-style: chr14-67579790-A-G.
Other names: c.1429A>G, p.Met477Val (NM_001024218.2); c.1588A>G, p.Met530Val (NM_001377514.1); c.1558A>G, p.Met520Val (NM_001377515.1); c.1549A>G, p.Met517Val (NM_001377516.1); c.1501A>G, p.Met501Val (NM_001377517.1); c.1486A>G, p.Met496Val (NM_001377518.1); c.1468A>G, p.Met490Val (NM_001377519.1); short protein forms M477V, M496V, M530V, M510V, M517V, M520V, M490V, M501V.
Identifiers: ClinVar variation 2982328 (VCV002982328.3), dbSNP rs2543402730, ClinGen allele CA390258670.